The following is an entry in ClinVar:

NM_001035.3(RYR2):c.309+1G>A

Gene: RYR2 (ryanodine receptor 2; plus strand). Cytogenetic location: 1q43.
Variant type: single nucleotide variant.
Coding change: c.309+1G>A on transcript NM_001035.3 (MANE Select); the canonical splice donor site of the intron after coding-DNA position 309, G replaced by A.
Molecular consequence: splice donor variant.
Genome position (GRCh38, 1-based): chr1:237,364,373, G>A. VCF-style: chr1-237364373-G-A. GRCh37 (hg19) VCF-style: chr1-237527673-G-A.
Identifiers: ClinVar variation 1332179 (VCV001332179.3), dbSNP rs2149727202, ClinGen allele CA345654865.

ClinVar aggregate classification (germline): Uncertain significance. Review status: criteria provided, multiple submitters, no conflicts (2 of 4 stars). 2 submissions from 2 submitters: Uncertain significance (2). Last evaluated 2023-04-27.

Conditions:
Catecholaminergic polymorphic ventricular tachycardia (CVPT). Also called: Catecholamine-induced polymorphic ventricular tachycardia. Identifiers: Orphanet 3286, MedGen C5574922, MONDO:0017990.
Cardiomyopathy (CMYO). Also called: Cardiomyopathies. Identifiers: Orphanet 167848, MedGen C0878544, MONDO:0004994, HP:0001638. Inheritance: Various modes of inheritance.

Submissions (2):

All of Us Research Program, National Institutes of Health
Classification: Uncertain significance for Catecholaminergic polymorphic ventricular tachycardia. Last evaluated: 2023-04-27. Review status: criteria provided, single submitter. Criteria: ACMG Guidelines, 2015. Collection method: clinical testing. Allele origin: germline. Inheritance: Autosomal dominant inheritance. Observed: 1 variant allele, 1 heterozygote.
Comment: This study involves interpretation of variants in research participants for the purpose of population health screening. Participant phenotype was not available at the time of variant classification. Additional details can be found in publication PMID: 35346344, PMCID: PMC8962531

Color Diagnostics, LLC DBA Color Health
Classification: Uncertain significance for Cardiomyopathy. Last evaluated: 2021-03-16. Review status: criteria provided, single submitter. Criteria: ACMG Guidelines, 2015. Collection method: clinical testing. Allele origin: germline.
Comment: This variant causes a G to A nucleotide substitution at the +1 position of intron 5 of the RYR2 gene. Splice prediction tools suggest that this variant may have a significant impact on splicing. To our knowledge, functional studies have not been reported for this variant. This variant has not been reported in individuals affected with cardiovascular disorders in the literature. This variant has not been identified in the general population by the Genome Aggregation Database (gnomAD). Clinical relevance of loss-of-function truncation and splice variants in the RYR2 gene is not clearly established. The available evidence is insufficient to determine the role of this variant in disease conclusively. Therefore, this variant is classified as a Variant of Uncertain Significance.